The following is an entry in ClinVar:

ClinVar aggregate classification (germline): Likely benign (1 of 4 stars; one submission).

Allele frequency attached by ClinVar (database versions not stated): gnomAD 0.00297; TOPMed 0.00315; 1000 Genomes Project 0.00379; gnomAD exomes 0.00383; ESP Exome Variant Server 0.00384; ExAC 0.00413; 1000 Genomes Project 30x 0.00453.

Submission:

CeGaT Center for Human Genetics Tuebingen
Classification: Likely benign. Last evaluated: 2024-04-01. Review status: criteria provided, single submitter. Criteria: CeGaT Center For Human Genetics Tuebingen Variant Classification Criteria Version 2. Collection method: clinical testing. Allele origin: germline. Affected: yes. Observed: 1 variant allele.
Comment: EIF6: BP4, BP7, BS2

NM_002212.4(EIF6):c.339C>T (p.Tyr113=)

Gene: EIF6 (eukaryotic translation initiation factor 6; minus strand). Cytogenetic location: 20q11.22.
Variant type: single nucleotide variant.
Coding change: c.339C>T on transcript NM_002212.4 (MANE Select); coding-DNA position 339, C replaced by T.
Protein change: p.Tyr113=; no amino-acid change (tyrosine 113 retained).
Molecular consequence: synonymous variant. On other transcripts: non-coding transcript variant (1), intron variant (1).
Genome position (GRCh38, 1-based): chr20:35,280,684, G>A on the plus strand (C>T on the coding strand, the complement: EIF6 is on the minus strand). VCF-style: chr20-35280684-G-A. GRCh37 (hg19) VCF-style: chr20-33868487-G-A.
Other names: c.339C>T, p.Tyr113= (NM_001267810.1, NM_181468.2); c.313-566C>T (NM_181466.3).
Identifiers: ClinVar variation 3234142 (VCV003234142.20), dbSNP rs138400954, ClinGen allele CA9830939.